The following is an entry in ClinVar:

NM_013275.6(ANKRD11):c.4372_4375del (p.Glu1458fs)

Gene: ANKRD11 (ankyrin repeat domain 11; minus strand). Cytogenetic location: 16q24.3.
Variant type: Deletion.
Coding change: c.4372_4375del on transcript NM_013275.6 (MANE Select); coding-DNA positions 4372 to 4375, 4 bases deleted (GAGA; older notation c.4372_4375delGAGA).
Protein change: p.Glu1458fs; shifts the reading frame from glutamic acid 1458.
Molecular consequence: frameshift variant.
Genome position (GRCh38, 1-based): chr16:89,282,167-89,282,170, TCTC deleted on the plus strand (GAGA on the coding strand, the reverse complement: ANKRD11 is on the minus strand); deleting any 4 consecutive bases within chr16:89,282,167-89,282,171 gives the same sequence; the c. name uses the placement nearest the transcript's 3' end. VCF-style (leftmost placement, unchanged base first): chr16-89282166-TTCTC-T. GRCh37 (hg19) VCF-style: chr16-89348574-TTCTC-T.
Other names: c.4372_4375del, p.Glu1458fs (NM_001256182.2, NM_001256183.2); short protein forms E1458fs.
Identifiers: ClinVar variation 280663 (VCV000280663.3), dbSNP rs886041829, ClinGen allele CA10603286.

ClinVar aggregate classification (germline): Pathogenic. Review status: criteria provided, multiple submitters, no conflicts (2 of 4 stars). 2 submissions from 2 submitters: Pathogenic (2). Last evaluated 2024-12-17.

Conditions:
ANKRD11-related disorder. Also called: ANKRD11-related condition.

Submissions (2):

PreventionGenetics, part of Exact Sciences
Classification: Pathogenic for ANKRD11-related condition. Last evaluated: 2024-12-17. Review status: criteria provided, single submitter. Criteria: ACMG Guidelines, 2015. Collection method: clinical testing. Allele origin: germline.
Comment: The ANKRD11 c.4372_4375delGAGA variant is predicted to result in a frameshift and premature protein termination (p.Glu1458Argfs*72). This variant has been reported as a de novo variant in an individual from a cohort of patients with developmental disorders and/or autism (Patient ID: GDX_43961, Supplementary Data 3 in Zhou et al 2022. PubMed ID: 35982159). This variant is absent in a large population database (gnomAD), indicating this variant is rare. Frameshift variants in ANKRD11 are expected to be pathogenic. This variant is interpreted as pathogenic.

GeneDx
Classification: Pathogenic. Last evaluated: 2016-06-20. Review status: criteria provided, single submitter. Criteria: GeneDx Variant Classification (06012015). Collection method: clinical testing. Allele origin: germline. Affected: yes.
Comment: The c.4372_4375delGAGA pathogenic variant in the ANKRD11 gene has not been reported previously as a pathogenic variant nor as a benign variant, to our knowledge. The c.4372_4375delGAGA variant causes a frameshift starting with codon Glutamic acid 1458, changes this amino acid to an Arginine residue, and creates a premature Stop codon at position 72 of the new reading frame, denoted p.Glu1458ArgfsX72. This variant is predicted to cause loss of normal protein function either through protein truncation or nonsense-mediated mRNA decay. The c.4372_4375delGAGA variant was not observed in approximately 6500 individuals of European and African American ancestry in the NHLBI Exome Sequencing Project, indicating it is not a common benign variant in these populations. We interpret c.4372_4375delGAGA as a pathogenic variant.